The following is an entry in ClinVar:

ClinVar aggregate classification (germline): Pathogenic (1 of 4 stars; one submission).

Submission:

Labcorp Genetics (formerly Invitae), Labcorp
Classification: Pathogenic. Last evaluated: 2022-02-28. Review status: criteria provided, single submitter. Criteria: Invitae Variant Classification Sherloc (09022015). Collection method: clinical testing. Allele origin: germline.
Comment: For these reasons, this variant has been classified as Pathogenic. This variant has not been reported in the literature in individuals affected with IARS-related conditions. This variant is not present in population databases (gnomAD no frequency). This sequence change creates a premature translational stop signal (p.Gly329Valfs*34) in the IARS gene. It is expected to result in an absent or disrupted protein product. Loss-of-function variants in IARS are known to be pathogenic (PMID: 27426735, 27891590).

Literature cited by the submitters: PubMed 27426735; PubMed 27891590.

NM_002161.6(IARS1):c.986del (p.Gly329fs)

Gene: IARS1 (isoleucyl-tRNA synthetase 1; minus strand). Cytogenetic location: 9q22.31.
Variant type: Deletion.
Coding change: c.986del on transcript NM_002161.6 (MANE Select); coding-DNA position 986, one base deleted (G; older notation c.986delG).
Protein change: p.Gly329fs; shifts the reading frame from glycine 329.
Molecular consequence: frameshift variant. On other transcripts: non-coding transcript variant (1).
Genome position (GRCh38, 1-based): chr9:92,274,430, C deleted on the plus strand (G on the coding strand, the reverse complement: IARS1 is on the minus strand); the first of 2 consecutive C bases (chr9:92,274,430-92,274,431); deleting either gives the same sequence. VCF-style (leftmost placement, unchanged base first): chr9-92274429-AC-A. GRCh37 (hg19) VCF-style: chr9-95036711-AC-A.
Other names: c.986del, p.Gly329fs (NM_001374299.1, NM_001374300.1, NM_001374301.1 and 14 more transcripts); c.1049del, p.Gly350fs (NM_001378569.1); c.1007del, p.Gly336fs (NM_001378571.1); c.863del, p.Gly288fs (NM_001378583.1); short protein forms G336fs, G329fs, G350fs, G288fs.
Identifiers: ClinVar variation 2104398 (VCV002104398.4), dbSNP rs2490862344, ClinGen allele CA2580080656.